The following is an entry in ClinVar:

ClinVar aggregate classification (germline): Pathogenic (1 of 4 stars; one submission).

Conditions:
EGFR-related lung cancer (EGFR). Identifiers: MedGen CN130014.

Submission:

Labcorp Genetics (formerly Invitae), Labcorp
Classification: Pathogenic for EGFR-related lung cancer. Last evaluated: 2025-07-15. Review status: criteria provided, single submitter. Criteria: Invitae Variant Classification Sherloc (09022015). Collection method: clinical testing. Allele origin: germline.
Comment: This sequence change creates a premature translational stop signal (p.Tyr827Thrfs*19) in the EGFR gene. It is expected to result in an absent or disrupted protein product. Loss-of-function variants in EGFR are known to be pathogenic (PMID: 7630400, 28726809, 29899996). This variant is not present in population databases (gnomAD no frequency). This variant has not been reported in the literature in individuals affected with EGFR-related conditions. For these reasons, this variant has been classified as Pathogenic.

Literature cited by the submitters: PubMed 7630400; PubMed 28726809; PubMed 29899996.

NM_005228.5(EGFR):c.2479del (p.Tyr827fs)

Gene: EGFR (epidermal growth factor receptor; plus strand). Cytogenetic location: 7p11.2.
Variant type: Deletion.
Coding change: c.2479del on transcript NM_005228.5 (MANE Select); coding-DNA position 2479, one base deleted (T; older notation c.2479delT).
Protein change: p.Tyr827fs; shifts the reading frame from tyrosine 827.
Molecular consequence: frameshift variant.
Genome position (GRCh38, 1-based): chr7:55,191,728, T deleted. VCF-style (leftmost placement, unchanged base first): chr7-55191727-CT-C. GRCh37 (hg19) VCF-style: chr7-55259420-CT-C.
Other names: c.2344del, p.Tyr782fs (NM_001346897.2, NM_001346899.2); c.2479del, p.Tyr827fs (NM_001346898.2); c.2320del, p.Tyr774fs (NM_001346900.2); c.1678del, p.Tyr560fs (NM_001346941.2); short protein forms Y774fs, Y827fs, Y782fs, Y560fs.
Identifiers: ClinVar variation 4723261 (VCV004723261.1).
Genomic context (GRCh38, chr7:55,191,727, plus strand): 5'-AGCTTCTTCCCATGATGATCTGTCCCTCACAGCAGGGTCTTCTCTGTTTCAGGGCATGAA[CT>C]ACTTGGAGGACCGTCGCTTGGTGCACCGCGACCTGGCAGCCAGGAACGTACTGGTGAAAA-3'